The following is an entry in ClinVar:

NM_000203.5(IDUA):c.615C>G (p.Cys205Trp)

Gene: IDUA (alpha-L-iduronidase; plus strand). Cytogenetic location: 4p16.3.
Variant type: single nucleotide variant.
Coding change: c.615C>G on transcript NM_000203.5 (MANE Select); coding-DNA position 615, C replaced by G.
Protein change: p.Cys205Trp; replaces cysteine 205 with tryptophan.
Molecular consequence: missense variant. On other transcripts: non-coding transcript variant (1).
Genome position (GRCh38, 1-based): chr4:1,001,704, C>G. VCF-style: chr4-1001704-C-G. GRCh37 (hg19) VCF-style: chr4-995492-C-G.
Other names: c.219C>G, p.Cys73Trp (NM_001363576.1); short protein forms C205W, C73W.
Identifiers: ClinVar variation 3613351 (VCV003613351.2).
Genomic context (GRCh38, chr4:1,001,704, plus strand): 5'-AGGGCAGGTGTAGACGCAGTGCTCCCCCGGCCCAGGCTTCCTGAACTACTACGATGCCTG[C>G]TCGGAGGGTCTGCGCGCCGCCAGCCCCGCCCTGCGGCTGGGAGGCCCCGGCGACTCCTTC-3'
Protein context (NP_000194.2, residues 195-215): MQGFLNYYDA[Cys205Trp]SEGLRAASPA

ClinVar aggregate classification (germline): Likely pathogenic (1 of 4 stars; one submission).

Conditions:
Mucopolysaccharidosis type 1. Also called: IDUA deficiency; MPS I; Mucopolysaccharidosis Type I. Identifiers: Orphanet 579, MedGen C0023786, MONDO:0001586.

Submission:

Labcorp Genetics (formerly Invitae), Labcorp
Classification: Likely pathogenic for Mucopolysaccharidosis type 1. Last evaluated: 2024-02-09. Review status: criteria provided, single submitter. Criteria: Invitae Variant Classification Sherloc (09022015). Collection method: clinical testing. Allele origin: germline.
Comment: This sequence change replaces cysteine, which is neutral and slightly polar, with tryptophan, which is neutral and slightly polar, at codon 205 of the IDUA protein (p.Cys205Trp). This variant is not present in population databases (gnomAD no frequency). This missense change has been observed in individual(s) with mucopolysaccharidosis (PMID: 35005816). Advanced modeling of protein sequence and biophysical properties (such as structural, functional, and spatial information, amino acid conservation, physicochemical variation, residue mobility, and thermodynamic stability) performed at Invitae indicates that this missense variant is expected to disrupt IDUA protein function with a positive predictive value of 95%. This variant disrupts the p.Cys205 amino acid residue in IDUA. Other variant(s) that disrupt this residue have been determined to be pathogenic (PMID: 11735025, 28752568). This suggests that this residue is clinically significant, and that variants that disrupt this residue are likely to be disease-causing. In summary, the currently available evidence indicates that the variant is pathogenic, but additional data are needed to prove that conclusively. Therefore, this variant has been classified as Likely Pathogenic.

Literature cited by the submitters: PubMed 35005816; PubMed 11735025; PubMed 28752568.